The following is an entry in ClinVar:

NM_001205293.3(CACNA1E):c.3731+13G>A

Gene: CACNA1E (calcium voltage-gated channel subunit alpha1 E; plus strand). Cytogenetic location: 1q25.3.
Variant type: single nucleotide variant.
Coding change: c.3731+13G>A on transcript NM_001205293.3 (MANE Select); 13 bases into the intron after coding-DNA position 3731, G replaced by A.
Molecular consequence: intron variant.
Genome position (GRCh38, 1-based): chr1:181,750,500, G>A. VCF-style: chr1-181750500-G-A. GRCh37 (hg19) VCF-style: chr1-181719636-G-A.
Other names: c.3731+13G>A (NM_000721.4); c.3674+13G>A (NM_001205294.2).
Identifiers: ClinVar variation 1632935 (VCV001632935.11), dbSNP rs372306099, ClinGen allele CA1275693.

ClinVar aggregate classification (germline): Likely benign. Review status: criteria provided, multiple submitters, no conflicts (2 of 4 stars). 3 submissions from 3 submitters: Likely benign (3). Last evaluated 2025-12-21.

Conditions:
Developmental and epileptic encephalopathy, 69. Also called: EPILEPTIC ENCEPHALOPATHY, EARLY INFANTILE, 69. Identifiers: MedGen C4748988, MONDO:0032657, OMIM 618285.

Allele frequency attached by ClinVar (database versions not stated): ExAC 0.00004; gnomAD exomes 0.00005; ESP Exome Variant Server 0.00008; gnomAD 0.00009 and 0.00011; TOPMed 0.00015.
gnomAD v4.1: 49 of 1,611,146 alleles (0.003%); highest among the groups gnomAD compares: African/African-American, 0.033%; no homozygotes.

Submissions (3):

Labcorp Genetics (formerly Invitae), Labcorp
Classification: Likely benign. Last evaluated: 2025-12-21. Review status: criteria provided, single submitter. Criteria: Invitae Variant Classification Sherloc (09022015). Collection method: clinical testing. Allele origin: germline.

Genome-Nilou Lab
Classification: Likely benign for Developmental and epileptic encephalopathy, 69. Last evaluated: 2023-04-11. Review status: criteria provided, single submitter. Criteria: ACMG Guidelines, 2015. Collection method: clinical testing. Allele origin: germline. Affected: no.

GeneDx
Classification: Likely benign. Last evaluated: 2021-10-21. Review status: criteria provided, single submitter. Criteria: GeneDx Variant Classification Process June 2021. Collection method: clinical testing. Allele origin: germline. Affected: yes.
Comment: See Variant Classification Assertion Criteria.